The following is an entry in ClinVar:

ClinVar aggregate classification (germline): Uncertain significance (1 of 4 stars; one submission).

Allele frequency attached by ClinVar (database versions not stated): gnomAD exomes below 0.00001.

Submission:

ARUP Laboratories, Molecular Genetics and Genomics, ARUP Laboratories
Classification: Uncertain significance. Last evaluated: 2021-07-21. Review status: criteria provided, single submitter. Criteria: ARUP Molecular Germline Variant Investigation Process 2021. Collection method: clinical testing. Allele origin: germline.
Comment: The COL1A2 c.3267+4A>G variant, to our knowledge, is not reported in the medical literature or gene specific databases. This variant is also absent from the Genome Aggregation Database, indicating it is not a common polymorphism. This is an intronic variant in a highly conserved nucleotide, and computational analyses (Alamut v.2.11) predict that this variant may impact splicing by simultaneously creating a novel cryptic donor splice site and weakening the nearby canonical donor splice site. However, given the lack of clinical and functional data, the significance of the c.3267+4A>G variant is uncertain at this time.

NM_000089.4(COL1A2):c.3267+4A>G

Gene: COL1A2 (collagen type I alpha 2 chain; plus strand). Cytogenetic location: 7q21.3.
Variant type: single nucleotide variant.
Coding change: c.3267+4A>G on transcript NM_000089.4 (MANE Select); 4 bases into the intron after coding-DNA position 3267, A replaced by G.
Molecular consequence: intron variant.
Genome position (GRCh38, 1-based): chr7:94,427,299, A>G. VCF-style: chr7-94427299-A-G. GRCh37 (hg19) VCF-style: chr7-94056611-A-G.
Identifiers: ClinVar variation 1331017 (VCV001331017.7), dbSNP rs2115958188, ClinGen allele CA2573052949.